The following is an entry in ClinVar:

ClinVar aggregate classification (germline): Uncertain significance (1 of 4 stars; one submission).

Allele frequency attached by ClinVar (database versions not stated): gnomAD 0.00002; gnomAD exomes 0.00002; TOPMed 0.00003.
gnomAD v4.1: 27 of 1,610,954 alleles (0.0017%); highest among the groups gnomAD compares: East Asian, 0.029%; no homozygotes.

Submission:

Labcorp Genetics (formerly Invitae), Labcorp
Classification: Uncertain significance. Last evaluated: 2024-02-24. Review status: criteria provided, single submitter. Criteria: Invitae Variant Classification Sherloc (09022015). Collection method: clinical testing. Allele origin: germline.
Comment: This sequence change replaces arginine, which is basic and polar, with tryptophan, which is neutral and slightly polar, at codon 178 of the COL27A1 protein (p.Arg178Trp). This variant is present in population databases (no rsID available, gnomAD 0.005%). This variant has not been reported in the literature in individuals affected with COL27A1-related conditions. ClinVar contains an entry for this variant (Variation ID: 2182431). Advanced modeling of protein sequence and biophysical properties (such as structural, functional, and spatial information, amino acid conservation, physicochemical variation, residue mobility, and thermodynamic stability) performed at Invitae indicates that this missense variant is not expected to disrupt COL27A1 protein function with a negative predictive value of 95%. In summary, the available evidence is currently insufficient to determine the role of this variant in disease. Therefore, it has been classified as a Variant of Uncertain Significance.

NM_032888.4(COL27A1):c.532C>T (p.Arg178Trp)

Gene: COL27A1 (collagen type XXVII alpha 1 chain; plus strand). Cytogenetic location: 9q32.
Variant type: single nucleotide variant.
Coding change: c.532C>T on transcript NM_032888.4 (MANE Select); coding-DNA position 532, C replaced by T.
Protein change: p.Arg178Trp; replaces arginine 178 with tryptophan.
Molecular consequence: missense variant.
Genome position (GRCh38, 1-based): chr9:114,168,087, C>T. VCF-style: chr9-114168087-C-T. GRCh37 (hg19) VCF-style: chr9-116930367-C-T.
Other names: short protein forms R178W.
Identifiers: ClinVar variation 2182431 (VCV002182431.3), dbSNP rs1034322360, ClinGen allele CA198607877.
Genomic context (GRCh38, chr9:114,168,087, plus strand): 5'-CACCTGGCCCTCGAGCTCCGAGGCCGCACAGTCACTCTGGTGACTGCCTGCGGGCAGCGC[C>T]GGGTGCCTGTCCTGCTGCCTTTCCACAGGGACCCTGCACTCGACCCTGGGGGCTCCTTCC-3'
Protein context (NP_116277.2, residues 168-188): VTLVTACGQR[Arg178Trp]VPVLLPFHRD